The following is an entry in ClinVar:

ClinVar aggregate classification (germline): Likely pathogenic. Review status: criteria provided, multiple submitters, no conflicts (2 of 4 stars). 2 submissions from 2 submitters: Likely pathogenic (2). Last evaluated 2024-08-29.

gnomAD v4.1: 3 of 1,612,026 alleles (0.00019%); highest among the groups gnomAD compares: Non-Finnish European, 0.00025%; no homozygotes.

Submissions (3):

Labcorp Genetics (formerly Invitae), Labcorp
Classification: Likely pathogenic. Last evaluated: 2024-08-29. Review status: criteria provided, single submitter. Criteria: Invitae Variant Classification Sherloc (09022015). Collection method: clinical testing. Allele origin: germline.
Comment: This sequence change affects a donor splice site in intron 5 of the WFS1 gene. It is expected to disrupt RNA splicing. Variants that disrupt the donor or acceptor splice site typically lead to a loss of protein function (PMID: 16199547), and loss-of-function variants in WFS1 are known to be pathogenic (PMID: 12955714). The frequency data for this variant in the population databases is considered unreliable, as metrics indicate poor data quality at this position in the gnomAD database. This variant has not been reported in the literature in individuals affected with WFS1-related conditions. Algorithms developed to predict the effect of sequence changes on RNA splicing suggest that this variant may disrupt the consensus splice site. In summary, the currently available evidence indicates that the variant is pathogenic, but additional data are needed to prove that conclusively. Therefore, this variant has been classified as Likely Pathogenic.

GeneDx
Classification: Likely pathogenic. Last evaluated: 2024-07-08. Review status: criteria provided, single submitter. Criteria: GeneDx Variant Classification Process June 2021. Collection method: clinical testing. Allele origin: germline. Affected: yes.
Comment: Has not been previously published as pathogenic or benign to our knowledge; Canonical splice site variant predicted to result in an in-frame loss of the adjacent exon in a gene for which loss of function is a known mechanism of disease; Not observed at significant frequency in large population cohorts (gnomAD)

Dr. Peter K. Rogan Lab, Western University
No classification provided (evidence only). Condition: Ovarian serous cystadenocarcinoma. Review status: no classification provided. Collection method: in vitro. Allele origin: not applicable. Functional consequence: retained intron. Not counted in ClinVar's aggregate classification.

Literature cited by the submitters: PubMed 16199547 (cited by Labcorp Genetics (formerly Invitae), Labcorp); PubMed 12955714 (cited by Labcorp Genetics (formerly Invitae), Labcorp).

NM_006005.3(WFS1):c.631+1G>A

Gene: WFS1 (wolframin ER transmembrane glycoprotein; plus strand). Cytogenetic location: 4p16.1.
Variant type: single nucleotide variant.
Coding change: c.631+1G>A on transcript NM_006005.3 (MANE Select); the canonical splice donor site of the intron after coding-DNA position 631, G replaced by A.
Molecular consequence: splice donor variant.
Genome position (GRCh38, 1-based): chr4:6,291,368, G>A. VCF-style: chr4-6291368-G-A. GRCh37 (hg19) VCF-style: chr4-6293095-G-A.
Other names: c.631+1G>A (NM_001145853.1).
Identifiers: ClinVar variation 3572489 (VCV003572489.4).